The following is an entry in ClinVar:

ClinVar aggregate classification (germline): Uncertain significance. Review status: criteria provided, multiple submitters, no conflicts (2 of 4 stars). 2 submissions from 2 submitters: Uncertain significance (2). Last evaluated 2025-01-08.

Conditions:
Hereditary cancer-predisposing syndrome. Also called: Tumor predisposition; Neoplastic Syndromes, Hereditary; Hereditary Cancer Syndrome; Hereditary neoplastic syndrome. Identifiers: Orphanet 140162, MedGen C0027672, MeSH D009386, MONDO:0015356.

Submissions (2):

Quest Diagnostics Nichols Institute San Juan Capistrano
Classification: Uncertain significance. Last evaluated: 2025-01-08. Review status: criteria provided, single submitter. Criteria: Quest Diagnostics criteria. Collection method: clinical testing. Allele origin: unknown.
Comment: The FLCN c.1101C>G (p.His367Gln) variant has not been reported in individuals with FLCN-related conditions in the published literature. It also has not been reported in large, multi-ethnic general populations (Genome Aggregation Database). Analysis of this variant using bioinformatics tools for the prediction of the effect of amino acid changes on protein structure and function yielded predictions that this variant is damaging. Based on the available information, we are unable to determine the clinical significance of this variant.

Ambry Genetics
Classification: Uncertain significance for Hereditary cancer-predisposing syndrome. Last evaluated: 2024-07-17. Review status: criteria provided, single submitter. Criteria: Ambry Variant Classification Scheme 2023. Collection method: clinical testing. Allele origin: germline.
Comment: The p.H367Q variant (also known as c.1101C>G), located in coding exon 7 of the FLCN gene, results from a C to G substitution at nucleotide position 1101. The histidine at codon 367 is replaced by glutamine, an amino acid with highly similar properties. This amino acid position is conserved. In addition, the in silico prediction for this alteration is inconclusive. Based on the available evidence, the clinical significance of this variant remains unclear.

NM_144997.7(FLCN):c.1101C>G (p.His367Gln)

Gene: FLCN (folliculin; minus strand). Cytogenetic location: 17p11.2.
Variant type: single nucleotide variant.
Coding change: c.1101C>G on transcript NM_144997.7 (MANE Select); coding-DNA position 1101, C replaced by G.
Protein change: p.His367Gln; replaces histidine 367 with glutamine.
Molecular consequence: missense variant.
Genome position (GRCh38, 1-based): chr17:17,217,144, G>C on the plus strand (C>G on the coding strand, the complement: FLCN is on the minus strand). VCF-style: chr17-17217144-G-C. GRCh37 (hg19) VCF-style: chr17-17120458-G-C.
Other names: c.1155C>G, p.His385Gln (NM_001353229.2); c.1101C>G, p.His367Gln (NM_001353230.2, NM_001353231.2); c.1101C>G (NM_144997.6); short protein forms H367Q, H385Q.
Identifiers: ClinVar variation 3515628 (VCV003515628.2).
Genomic context (GRCh38, chr17:17,217,144, plus strand): 5'-AGCTGACTGGACGAGGTCCACGTCTCTGCTTTTCCAGATCACCTGGTTCCCCATGAGAAC[G>C]TGCCAGGCCAGCATGCGGAAAGAAGGGGCACCCAGGACCTAAACAAGAGAGTGCAGTGCT-3'
Protein context (NP_659434.2, residues 357-377): GAPSFRMLAW[His367Gln]VLMGNQVIWK